The following is an entry in ClinVar:

NM_001127198.5(TMC6):c.67A>G (p.Ser23Gly)

Gene: TMC6 (transmembrane channel like 6; minus strand). Cytogenetic location: 17q25.3.
Variant type: single nucleotide variant.
Coding change: c.67A>G on transcript NM_001127198.5 (MANE Select); coding-DNA position 67, A replaced by G.
Protein change: p.Ser23Gly; replaces serine 23 with glycine.
Molecular consequence: missense variant.
Genome position (GRCh38, 1-based): chr17:78,126,638, T>C on the plus strand (A>G on the coding strand, the complement: TMC6 is on the minus strand). VCF-style: chr17-78126638-T-C. GRCh37 (hg19) VCF-style: chr17-76122719-T-C.
Other names: c.67A>G, p.Ser23Gly (NM_001321185.1, NM_001374593.1, NM_001374594.1 and 4 more transcripts); short protein forms S23G.
Identifiers: ClinVar variation 962342 (VCV000962342.8), dbSNP rs775897412, ClinGen allele CA8796261.
Genomic context (GRCh38, chr17:78,126,638, plus strand): 5'-GGCTCTGCTCCTGGATGAGCTGCTGGAAGGAGTCGTGCACTTCGCTTTCATCATAGGGGC[T>C]GGGGCCCTGGCTGCAGAGGGGGTTGGCGGGGGGGTCAGGCTCCAGCCACCTCTCTCCTTC-3'
Protein context (NP_001120670.1, residues 13-33): ETPGDQGQGP[Ser23Gly]PYDESEVHDS

ClinVar aggregate classification (germline): Uncertain significance (1 of 4 stars; one submission).

Conditions:
Epidermodysplasia verruciformis. Identifiers: Orphanet 302, MedGen C0014522, MONDO:0009176.

Allele frequency attached by ClinVar (database versions not stated): gnomAD exomes below 0.00001; ExAC 0.00001; TOPMed 0.00002.

Submission:

Labcorp Genetics (formerly Invitae), Labcorp
Classification: Uncertain significance for Epidermodysplasia verruciformis. Last evaluated: 2019-09-26. Review status: criteria provided, single submitter. Criteria: Invitae Variant Classification Sherloc (09022015). Collection method: clinical testing. Allele origin: germline.
Comment: In summary, the available evidence is currently insufficient to determine the role of this variant in disease. Therefore, it has been classified as a Variant of Uncertain Significance. Algorithms developed to predict the effect of missense changes on protein structure and function are either unavailable or do not agree on the potential impact of this missense change (SIFT: "Tolerated"; PolyPhen-2: "Possibly Damaging"; Align-GVGD: "Class C0"). This variant has not been reported in the literature in individuals with TMC6-related conditions. This variant is present in population databases (rs775897412, ExAC 0.01%). This sequence change replaces serine with glycine at codon 23 of the TMC6 protein (p.Ser23Gly). The serine residue is moderately conserved and there is a small physicochemical difference between serine and glycine.